The following is an entry in ClinVar:

NM_000290.4(PGAM2):c.234G>A (p.Trp78Ter)

Genes: PGAM2 (phosphoglycerate mutase 2; minus strand), DBNL (drebrin like; plus strand), LOC129998343 (ATAC-STARR-seq lymphoblastoid active region 25926; plus strand). Cytogenetic location: 7p13.
Variant type: single nucleotide variant.
Coding change: c.234G>A on transcript NM_000290.4 (MANE Select); coding-DNA position 234, G replaced by A.
Protein change: p.Trp78Ter; replaces tryptophan 78 with a stop codon.
Molecular consequence: nonsense. On other transcripts: 3 prime UTR variant (6).
Genome position (GRCh38, 1-based): chr7:44,065,296, C>T on the plus strand (G>A on the coding strand, the complement: PGAM2 is on the minus strand). VCF-style: chr7-44065296-C-T. GRCh37 (hg19) VCF-style: chr7-44104895-C-T.
Other names: c.*4380C>T (NM_001014436.3, NM_001122956.2, NM_001284313.2 and 3 more transcripts); short protein forms W78*.
Identifiers: ClinVar variation 2055208 (VCV002055208.4), dbSNP rs2484210332, ClinGen allele CA367369521.

ClinVar aggregate classification (germline): Pathogenic (1 of 4 stars; one submission).

Conditions:
Glycogen storage disease type X (GSD10). Also called: Dimauro disease; PGAMM DEFICIENCY; PHOSPHOGLYCERATE MUTASE, MUSCLE, DEFICIENCY OF; Glycogen storage disease due to phosphoglycerate mutase deficiency; GSD X; MYOPATHY DUE TO PHOSPHOGLYCERATE MUTASE DEFICIENCY. Identifiers: Orphanet 97234, MedGen C0268149, MONDO:0009865, OMIM 261670.

Submission:

Labcorp Genetics (formerly Invitae), Labcorp
Classification: Pathogenic for Glycogen storage disease type X. Last evaluated: 2021-12-23. Review status: criteria provided, single submitter. Criteria: Invitae Variant Classification Sherloc (09022015). Collection method: clinical testing. Allele origin: germline.
Comment: This sequence change creates a premature translational stop signal (p.Trp78*) in the PGAM2 gene. It is expected to result in an absent or disrupted protein product. Loss-of-function variants in PGAM2 are known to be pathogenic (PMID: 8447317, 19273759). This variant is not present in population databases (gnomAD no frequency). This premature translational stop signal has been observed in individual(s) with PGAM2-related conditions (PMID: 8447317, 27612597). For these reasons, this variant has been classified as Pathogenic.

Literature cited by the submitters: PubMed 8447317; PubMed 19273759; PubMed 27612597.